The following is an entry in ClinVar:

ClinVar aggregate classification (germline): Uncertain significance (1 of 4 stars; one submission).

Conditions:
Cardiovascular phenotype. Identifiers: MedGen CN230736.
Hereditary cancer-predisposing syndrome. Also called: Neoplastic Syndromes, Hereditary; Tumor predisposition; Hereditary Cancer Syndrome; Hereditary neoplastic syndrome. Identifiers: Orphanet 140162, MedGen C0027672, MeSH D009386, MONDO:0015356.

Submission:

Ambry Genetics
Classification: Uncertain significance for Cardiovascular phenotype; Hereditary cancer-predisposing syndrome. Last evaluated: 2025-11-10. Review status: criteria provided, single submitter. Criteria: Ambry Variant Classification Scheme 2023. Collection method: clinical testing. Allele origin: germline.
Comment: The c.159_160delCTinsGG variant (also known as p.W54G), located in coding exon 1 of the LZTR1 gene, results from an in-frame deletion of CT and insertion of GG at nucleotide positions 159 to 160. This results in the substitution of the tryptophan residue for a glycine residue at codon 54, an amino acid with highly dissimilar properties. This amino acid position is highly conserved in available vertebrate species. In addition, this alteration is predicted to be deleterious by in silico analysis. Based on the available evidence, the clinical significance of this variant remains unclear.

NM_006767.4(LZTR1):c.159_160delinsGG (p.Trp54Gly)

Gene: LZTR1 (leucine zipper like post translational regulator 1; plus strand). Cytogenetic location: 22q11.21.
Variant type: Indel.
Coding change: c.159_160delinsGG on transcript NM_006767.4 (MANE Select); coding-DNA positions 159 to 160, CT replaced by GG.
Protein change: p.Trp54Gly; replaces tryptophan 54 with glycine.
Molecular consequence: missense variant.
Genome position (GRCh38, 1-based): chr22:20,982,530-20,982,531, CT replaced by GG. VCF-style: chr22-20982530-CT-GG. GRCh37 (hg19) VCF-style: chr22-21336819-CT-GG.
Other names: short protein forms W54G.
Identifiers: ClinVar variation 4615640 (VCV004615640.1).